The following is an entry in ClinVar:

ClinVar aggregate classification (germline): Pathogenic (1 of 4 stars; one submission).

Conditions:
Hereditary cancer-predisposing syndrome. Also called: Tumor predisposition; Hereditary Cancer Syndrome; Hereditary neoplastic syndrome; Neoplastic Syndromes, Hereditary. Identifiers: Orphanet 140162, MedGen C0027672, MeSH D009386, MONDO:0015356.

Submission:

Ambry Genetics
Classification: Pathogenic for Hereditary cancer-predisposing syndrome. Last evaluated: 2025-02-07. Review status: criteria provided, single submitter. Criteria: Ambry Variant Classification Scheme 2023. Collection method: clinical testing. Allele origin: germline.
Comment: The c.1984delA pathogenic mutation, located in coding exon 4 of the MSH6 gene, results from a deletion of one nucleotide at nucleotide position 1984, causing a translational frameshift with a predicted alternate stop codon (p.M662*). This variant is considered to be rare based on population cohorts in the Genome Aggregation Database (gnomAD). This alteration is expected to result in loss of function by premature protein truncation or nonsense-mediated mRNA decay. As such, this alteration is interpreted as a disease-causing mutation.

NM_000179.3(MSH6):c.1984del (p.Gly661_Met662insTer)

Gene: MSH6 (mutS homolog 6; plus strand). Cytogenetic location: 2p16.3.
Variant type: Deletion.
Coding change: c.1984del on transcript NM_000179.3 (MANE Select); coding-DNA position 1984, one base deleted (A; older notation c.1984delA).
Protein change: p.Gly661_Met662insTer.
Molecular consequence: nonsense.
Genome position (GRCh38, 1-based): chr2:47,799,967, A deleted. VCF-style (leftmost placement, unchanged base first): chr2-47799966-TA-T. GRCh37 (hg19) VCF-style: chr2-48027105-TA-T.
Other names: c.1984delA (NM_000179.2); c.1594del, p.Gly531_Met532insTer (NM_001281492.2); c.1078del, p.Gly359_Met360insTer (NM_001281493.2, NM_001281494.2).
Identifiers: ClinVar variation 485887 (VCV000485887.6), dbSNP rs1553413348, ClinGen allele CA658655797.
Genomic context (GRCh38, chr2:47,799,966, plus strand): 5'-ATATTTTAGGGAAAAGCTAAGTGATGGCATTGGGGTGATGTTACCCCAGGTGCTTAAAGG[TA>T]TGACTTCAGAGTCTGATTCCATTGGGTTGACACCAGGAGAGAAAAGTGAATTGGCCCTCT-3'